The following is an entry in ClinVar:

NC_000007.14:g.117479599C>T

Genes: CFTR (CF transmembrane conductance regulator; plus strand), LOC111674463 (CFTR promoter region; plus strand). Cytogenetic location: 7q31.2.
Variant type: single nucleotide variant.
Genome position: GRCh38 VCF-style: chr7-117479599-C-T. GRCh37 (hg19) VCF-style: chr7-117119653-C-T.
Identifiers: ClinVar variation 4982013 (VCV004982013.1).
Genomic context (GRCh38, chr7:117,479,599, plus strand): 5'-GGGTCTGGCGGACCCTGACGCGAAGGAGGGTCTAGGAAGCTCTCCGGGGAGCCGGTTCTC[C>T]CGCCGGTGGCTTCTTCTGTCCTCCAGCGTTGCCAACTGGACCTAAAGAGAGGCCGCGACT-3'

ClinVar aggregate classification (germline): Likely benign (1 of 4 stars; one submission).

Conditions:
CFTR-related disorder (CFTR-RD). Also called: CFTR-related disorders; CFTR-related condition. Identifiers: MedGen C5924204, MONDO:7770004.

Submission:

PreventionGenetics, part of Exact Sciences
Classification: Likely benign for CFTR-related condition. Last evaluated: 2025-03-28. Review status: criteria provided, single submitter. Criteria: ACMG Guidelines, 2015. Collection method: clinical testing. Allele origin: germline.
Comment: This variant is classified as likely benign based on ACMG/AMP sequence variant interpretation guidelines (Richards et al. 2015 PMID: 25741868, with internal and published modifications).